The following is an entry in ClinVar:

ClinVar aggregate classification (germline): Uncertain significance (1 of 4 stars; one submission).

Conditions:
Long QT syndrome (LQTS). Identifiers: MedGen C0023976, MeSH D008133, MONDO:0002442. Disease mechanism: loss of function. Inheritance: Various modes of inheritance.

Submission:

Labcorp Genetics (formerly Invitae), Labcorp
Classification: Uncertain significance for Long QT syndrome. Last evaluated: 2023-10-05. Review status: criteria provided, single submitter. Criteria: Invitae Variant Classification Sherloc (09022015). Collection method: clinical testing. Allele origin: germline.
Comment: This sequence change replaces alanine, which is neutral and non-polar, with valine, which is neutral and non-polar, at codon 32 of the CACNA1C protein (p.Ala32Val). This variant is not present in population databases (gnomAD no frequency). This variant has not been reported in the literature in individuals affected with CACNA1C-related conditions. Advanced modeling of protein sequence and biophysical properties (such as structural, functional, and spatial information, amino acid conservation, physicochemical variation, residue mobility, and thermodynamic stability) performed at Invitae indicates that this missense variant is not expected to disrupt CACNA1C protein function. In summary, the available evidence is currently insufficient to determine the role of this variant in disease. Therefore, it has been classified as a Variant of Uncertain Significance.

NM_000719.7(CACNA1C):c.95C>T (p.Ala32Val)

Gene: CACNA1C (calcium voltage-gated channel subunit alpha1 C; plus strand). Cytogenetic location: 12p13.33.
Variant type: single nucleotide variant.
Coding change: c.95C>T on transcript NM_000719.7 (MANE Select); coding-DNA position 95, C replaced by T.
Protein change: p.Ala32Val; replaces alanine 32 with valine.
Molecular consequence: missense variant.
Genome position (GRCh38, 1-based): chr12:2,115,269, C>T. VCF-style: chr12-2115269-C-T. GRCh37 (hg19) VCF-style: chr12-2224435-C-T.
Other names: c.95C>T, p.Ala32Val (NM_001129827.2, NM_001129829.2, NM_001129830.3 and 19 more transcripts); short protein forms A32V.
Identifiers: ClinVar variation 2894747 (VCV002894747.3), dbSNP rs2547559943, ClinGen allele CA383652928.